The following is an entry in ClinVar:

ClinVar aggregate classification (germline): Uncertain significance (1 of 4 stars; one submission).

Conditions:
Inborn genetic diseases. Identifiers: MedGen C0950123, MeSH D030342.

Submission:

Ambry Genetics
Classification: Uncertain significance for Inborn genetic diseases. Last evaluated: 2025-07-16. Review status: criteria provided, single submitter. Criteria: Ambry Variant Classification Scheme 2023. Collection method: clinical testing. Allele origin: germline.
Comment: The p.K33E variant (also known as c.97A>G), located in coding exon 2 of the ERCC6L2 gene, results from an A to G substitution at nucleotide position 97. The lysine at codon 33 is replaced by glutamic acid, an amino acid with similar properties. This amino acid position is conserved. In addition, this alteration is predicted to be tolerated by in silico analysis. Based on the available evidence, the clinical significance of this variant remains unclear.

NM_020207.7(ERCC6L2):c.97A>G (p.Lys33Glu)

Gene: ERCC6L2 (ERCC excision repair 6 like 2; plus strand). Cytogenetic location: 9q22.32.
Variant type: single nucleotide variant.
Coding change: c.97A>G on transcript NM_020207.7 (MANE Select); coding-DNA position 97, A replaced by G.
Protein change: p.Lys33Glu; replaces lysine 33 with glutamic acid.
Molecular consequence: missense variant. On other transcripts: non-coding transcript variant (1).
Genome position (GRCh38, 1-based): chr9:95,880,919, A>G. VCF-style: chr9-95880919-A-G. GRCh37 (hg19) VCF-style: chr9-98643201-A-G.
Other names: c.97A>G, p.Lys33Glu (NM_001010895.4, NM_001375291.1, NM_001375292.1 and 2 more transcripts); short protein forms K33E.
Identifiers: ClinVar variation 4250583 (VCV004250583.1).